The following is an entry in ClinVar:

NM_006939.4(SOS2):c.572C>G (p.Pro191Arg)

Gene: SOS2 (SOS Ras/Rho guanine nucleotide exchange factor 2; minus strand). Cytogenetic location: 14q21.3.
Variant type: single nucleotide variant.
Coding change: c.572C>G on transcript NM_006939.4 (MANE Select); coding-DNA position 572, C replaced by G.
Protein change: p.Pro191Arg; replaces proline 191 with arginine.
Molecular consequence: missense variant.
Genome position (GRCh38, 1-based): chr14:50,188,639, G>C on the plus strand (C>G on the coding strand, the complement: SOS2 is on the minus strand). VCF-style: chr14-50188639-G-C. GRCh37 (hg19) VCF-style: chr14-50655357-G-C.
Other names: p.Pro191Arg; short protein forms P191R.
Identifiers: ClinVar variation 445489 (VCV000445489.68), dbSNP rs72681869, ClinGen allele CA7177497.

ClinVar aggregate classification (germline): Benign/Likely benign. Review status: criteria provided, multiple submitters, no conflicts (2 of 4 stars). 15 submissions from 15 submitters: Benign (8); Likely benign (5). 2 of the submissions do not count toward it. Last evaluated 2026-03-01.

Conditions:
Noonan syndrome 9 (NS9). Identifiers: Orphanet 648, MedGen C4225282, MONDO:0014691, OMIM 616559.
Noonan syndrome and Noonan-related syndrome. Identifiers: Orphanet 98733, MedGen C5681679, MONDO:0020297.
Cardiovascular phenotype. Identifiers: MedGen CN230736.

Allele frequency attached by ClinVar (database versions not stated): 1000 Genomes Project 0.00160; 1000 Genomes Project 30x 0.00234; gnomAD 0.00416 and 0.00421; TOPMed 0.00484; ESP Exome Variant Server 0.00546; gnomAD exomes 0.00776.
gnomAD v4.1: 11,977 of 1,609,034 alleles (0.74%); highest among the groups gnomAD compares: Non-Finnish European, 0.94%; 58 homozygotes.

Submissions (15):

CeGaT Center for Human Genetics Tuebingen
Classification: Benign. Last evaluated: 2026-03-01. Review status: criteria provided, single submitter. Criteria: CeGaT Center For Human Genetics Tuebingen Variant Classification Criteria Version 2. Collection method: clinical testing. Allele origin: germline. Affected: yes. Observed: 27 variant alleles.
Comment: SOS2: BS1, BS2

Labcorp Genetics (formerly Invitae), Labcorp
Classification: Benign for Noonan syndrome 9. Last evaluated: 2026-02-03. Review status: criteria provided, single submitter. Criteria: Invitae Variant Classification Sherloc (09022015). Collection method: clinical testing. Allele origin: germline.

ARUP Laboratories, Molecular Genetics and Genomics, ARUP Laboratories
Classification: Benign for Noonan syndrome 9. Last evaluated: 2025-05-30. Review status: criteria provided, single submitter. Criteria: ARUP Molecular Germline Variant Investigation Process 2024. Collection method: clinical testing. Allele origin: germline.

Blueprint Genetics
Classification: Likely benign. Last evaluated: 2024-11-26. Review status: criteria provided, single submitter. Criteria: ACMG Guidelines, 2015. Collection method: clinical testing. Allele origin: germline.

Mayo Clinic Laboratories, Mayo Clinic
Classification: Benign. Last evaluated: 2023-01-27. Review status: criteria provided, single submitter. Criteria: ACMG Guidelines, 2015. Collection method: clinical testing. Allele origin: germline. Observed: 18 variant alleles.
Comment: BS1, BS2

Genome Diagnostics Laboratory, The Hospital for Sick Children
Classification: Benign for Noonan syndrome and Noonan-related syndrome. Last evaluated: 2021-06-03. Review status: criteria provided, single submitter. Criteria: ACMG Guidelines, 2015. Collection method: clinical testing. Allele origin: germline.

Mendelics
Classification: Likely benign for Noonan syndrome 9. Last evaluated: 2019-05-28. Review status: criteria provided, single submitter. Criteria: Mendelics Assertion Criteria 2017. Collection method: clinical testing. Allele origin: unknown.

Ambry Genetics
Classification: Likely benign for Cardiovascular phenotype. Last evaluated: 2019-03-12. Review status: criteria provided, single submitter. Criteria: Ambry Variant Classification Scheme 2023. Collection method: clinical testing. Allele origin: germline.

GeneDx
Classification: Benign. Last evaluated: 2017-07-03. Review status: criteria provided, single submitter. Criteria: GeneDx Variant Classification (06012015). Collection method: clinical testing. Allele origin: germline. Affected: yes.
Comment: This variant is considered likely benign or benign based on one or more of the following criteria: it is a conservative change, it occurs at a poorly conserved position in the protein, it is predicted to be benign by multiple in silico algorithms, and/or has population frequency not consistent with disease.

Women's Health and Genetics/Laboratory Corporation of America, LabCorp
Classification: Benign. Last evaluated: 2017-04-17. Review status: criteria provided, single submitter. Criteria: LabCorp Variant Classification Summary - May 2015. Collection method: clinical testing. Allele origin: germline.
Comment: Variant summary: The SOS2 c.572C>G (p.Pro191Arg) variant causes a missense change involving the alteration of a conserved nucleotide. 2/4 in silico tools predict a benign outcome for this variant (SNPs&GO not captured due to low reliability index). The variant of interest has been found in a large, broad control population, ExAC in 554/120618 control chromosomes (1 homozygote) at a frequency of 0.004593, which is approximately 1837 times the estimated maximal expected allele frequency of a pathogenic SOS2 variant (0.0000025), suggesting this variant is likely a benign polymorphism. The variant of interest has not, to our knowledge, been reported in affected individuals via publications and/or clinical diagnostic laboratories; nor evaluated for functional impact by in vivo/vitro studies. Taken together, this variant is classified as benign.

Center for Pediatric Genomic Medicine, Children's Mercy Hospital and Clinics
Classification: Benign. Last evaluated: 2017-02-24. Review status: criteria provided, single submitter. Criteria: ACMG Guidelines, 2015. Collection method: clinical testing. Allele origin: germline.

Breakthrough Genomics
Classification: Likely benign. Review status: criteria provided, single submitter. Criteria: ACMG Guidelines, 2015. Collection method: not provided. Allele origin: germline. Inheritance: Autosomal dominant inheritance. Affected: yes.

Genome-Nilou Lab
Classification: Likely benign for Noonan syndrome 9. Review status: criteria provided, single submitter. Criteria: ACMG Guidelines, 2015. Collection method: clinical testing. Allele origin: germline.

Clinical Genetics DNA and cytogenetics Diagnostics Lab, Erasmus MC, Erasmus Medical Center
Classification: Likely benign. Review status: no assertion criteria provided. Collection method: clinical testing. Allele origin: germline. Affected: yes. Study: VKGL Data-share Consensus. Not counted in ClinVar's aggregate classification.

Clinical Genetics, Academic Medical Center
Classification: Benign. Review status: no assertion criteria provided. Collection method: clinical testing. Allele origin: germline. Affected: yes. Study: VKGL Data-share Consensus. Not counted in ClinVar's aggregate classification.

Literature cited by the submitters: PubMed 34136918 (cited by Mayo Clinic Laboratories, Mayo Clinic).